The following is an entry in ClinVar:

NM_004104.5(FASN):c.3802C>G (p.Leu1268Val)

Gene: FASN (fatty acid synthase; minus strand). Cytogenetic location: 17q25.3.
Variant type: single nucleotide variant.
Coding change: c.3802C>G on transcript NM_004104.5 (MANE Select); coding-DNA position 3802, C replaced by G.
Protein change: p.Leu1268Val; replaces leucine 1268 with valine.
Molecular consequence: missense variant.
Genome position (GRCh38, 1-based): chr17:82,085,802, G>C on the plus strand (C>G on the coding strand, the complement: FASN is on the minus strand). VCF-style: chr17-82085802-G-C. GRCh37 (hg19) VCF-style: chr17-80043678-G-C.
Other names: short protein forms L1268V.
Identifiers: ClinVar variation 3699843 (VCV003699843.2).

ClinVar aggregate classification (germline): Uncertain significance (1 of 4 stars; one submission).

Conditions:
Epileptic encephalopathy. Identifiers: MedGen C0543888, HP:0200134.

Submission:

Labcorp Genetics (formerly Invitae), Labcorp
Classification: Uncertain significance for Epileptic encephalopathy. Last evaluated: 2024-06-04. Review status: criteria provided, single submitter. Criteria: Invitae Variant Classification Sherloc (09022015). Collection method: clinical testing. Allele origin: germline.
Comment: This sequence change replaces leucine, which is neutral and non-polar, with valine, which is neutral and non-polar, at codon 1268 of the FASN protein (p.Leu1268Val). This variant is not present in population databases (gnomAD no frequency). This variant has not been reported in the literature in individuals affected with FASN-related conditions. An algorithm developed to predict the effect of missense changes on protein structure and function (PolyPhen-2) suggests that this variant is likely to be tolerated. Algorithms developed to predict the effect of sequence changes on RNA splicing suggest that this variant may create or strengthen a splice site. In summary, the available evidence is currently insufficient to determine the role of this variant in disease. Therefore, it has been classified as a Variant of Uncertain Significance.